The following is an entry in ClinVar:

NM_000152.5(GAA):c.873_874del (p.Tyr292fs)

Gene: GAA (alpha glucosidase; plus strand). Cytogenetic location: 17q25.3.
Variant type: Microsatellite.
Coding change: c.873_874del on transcript NM_000152.5 (MANE Select); coding-DNA positions 873 to 874, 2 bases deleted (CT; older notation c.873_874delCT).
Protein change: p.Tyr292fs; shifts the reading frame from tyrosine 292.
Molecular consequence: frameshift variant.
Genome position (GRCh38, 1-based): chr17:80,107,814-80,107,815, CT deleted; deleting any 2 consecutive bases within chr17:80,107,812-80,107,815 gives the same sequence; the c. name uses the placement nearest the transcript's 3' end. VCF-style (leftmost placement, unchanged base first): chr17-80107811-CCT-C. GRCh37 (hg19) VCF-style: chr17-78081610-CCT-C.
Other names: c.873_874del, p.Tyr292fs (NM_001079803.3, NM_001079804.3, NM_001406741.1 and 1 more transcripts); short protein forms Y292fs.
Identifiers: ClinVar variation 2675770 (VCV002675770.2), dbSNP rs2510359227, ClinGen allele CA2695200352.
Genomic context (GRCh38, chr17:80,107,811, plus strand): 5'-CTGAGCTGGGGAGCGCAGGTGCTGAAGCGCCGTCTCCTGCATGTCCCAGCCCGGTGCGAA[CCT>C]CTACGGGTCTCACCCTTTCTACCTGGCGCTGGAGGACGGCGGGTCGGCACACGGGGTGTT-3'

ClinVar aggregate classification (germline): Pathogenic/Likely pathogenic. Review status: criteria provided, multiple submitters, no conflicts (2 of 4 stars). 2 submissions from 2 submitters: Pathogenic (1); Likely pathogenic (1). Last evaluated 2024-06-20.

Conditions:
Glycogen storage disease, type II (IOPD). Also called: Glycogen storage disease type 2; Acid maltase deficiency disease; Aglucosidase alfa; Deficiency of alpha-glucosidase; Deficiency of lysosomal alpha-glucosidase; Pompe Disease. Identifiers: Orphanet 365, MedGen C0017921, MONDO:0009290, OMIM 232300.

Submissions (2):

Myriad Genetics, Inc.
Classification: Pathogenic for Glycogen storage disease, type II. Last evaluated: 2024-06-20. Review status: criteria provided, single submitter. Criteria: Myriad Autosomal Dominant, Autosomal Recessive and X-Linked Classification Criteria (2023). Collection method: clinical testing. Allele origin: unknown.
Comment: NM_000152.3(GAA):c.873_874delCT(Y292Rfs*37) is expected to be pathogenic in the context of Pompe disease. This variant is predicted to lead to an abnormal or absent protein product due to the creation of a premature termination codon in GAA, a gene where loss-of-function variants are known to be pathogenic. Please note: this variant was assessed in the context of healthy population screening.

Baylor Genetics
Classification: Likely pathogenic for Glycogen storage disease, type II. Last evaluated: 2023-05-25. Review status: criteria provided, single submitter. Criteria: ACMG Guidelines, 2015. Collection method: clinical testing. Allele origin: unknown.